The following is an entry in ClinVar:

NM_006514.4(SCN10A):c.4680T>G (p.Leu1560=)

Gene: SCN10A (sodium voltage-gated channel alpha subunit 10; minus strand). Cytogenetic location: 3p22.2.
Variant type: single nucleotide variant.
Coding change: c.4680T>G on transcript NM_006514.4 (MANE Select); coding-DNA position 4680, T replaced by G.
Protein change: p.Leu1560=; no amino-acid change (leucine 1560 retained).
Molecular consequence: synonymous variant.
Genome position (GRCh38, 1-based): chr3:38,698,540, A>C on the plus strand (T>G on the coding strand, the complement: SCN10A is on the minus strand). VCF-style: chr3-38698540-A-C. GRCh37 (hg19) VCF-style: chr3-38740031-A-C.
Other names: c.4680T>G (NM_006514.2); c.4677T>G, p.Leu1559= (NM_001293306.2); c.4386T>G, p.Leu1462= (NM_001293307.2).
Identifiers: ClinVar variation 699619 (VCV000699619.28), dbSNP rs529845623, ClinGen allele CA2319834.

ClinVar aggregate classification (germline): Benign/Likely benign. Review status: criteria provided, multiple submitters, no conflicts (2 of 4 stars). 8 submissions from 8 submitters: Benign (3); Likely benign (2). 3 of the submissions do not count toward it. Last evaluated 2025-12-14.

Conditions:
Cardiovascular phenotype. Identifiers: MedGen CN230736.
SCN10A-related disorder. Also called: SCN10A-related condition.
Brugada syndrome. Also called: Sudden unexpected nocturnal death syndrome; Sudden Unexplained Death Syndrome; Sudden Unexplained Nocturnal Death Syndrome (SUNDS); Sudden unexplained nocturnal death syndrome. Identifiers: Orphanet 130, MedGen C1142166, MONDO:0015263.

Allele frequency attached by ClinVar (database versions not stated): ExAC 0.00139; 1000 Genomes Project 0.00300; 1000 Genomes Project 30x 0.00312; gnomAD 0.00001 and 0.00028; TOPMed 0.00006; gnomAD exomes 0.00054 and 0.00114.
gnomAD v4.1: 846 of 1,611,064 alleles (0.053%); highest among the groups gnomAD compares: South Asian, 0.86%; 6 homozygotes.

Submissions (8):

Labcorp Genetics (formerly Invitae), Labcorp
Classification: Benign for Brugada syndrome. Last evaluated: 2025-12-14. Review status: criteria provided, single submitter. Criteria: Invitae Variant Classification Sherloc (09022015). Collection method: clinical testing. Allele origin: germline.

CeGaT Center for Human Genetics Tuebingen
Classification: Likely benign. Last evaluated: 2025-09-01. Review status: criteria provided, single submitter. Criteria: CeGaT Center For Human Genetics Tuebingen Variant Classification Criteria Version 2. Collection method: clinical testing. Allele origin: germline. Affected: yes. Observed: 1 variant allele.
Comment: SCN10A: BP4, BP7, BS1

Women's Health and Genetics/Laboratory Corporation of America, LabCorp
Classification: Benign. Last evaluated: 2025-06-26. Review status: criteria provided, single submitter. Criteria: LabCorp Variant Classification Summary - May 2015. Collection method: clinical testing. Allele origin: germline.

Ambry Genetics
Classification: Likely benign for Cardiovascular phenotype. Last evaluated: 2019-04-02. Review status: criteria provided, single submitter. Criteria: Ambry Variant Classification Scheme 2023. Collection method: clinical testing. Allele origin: germline.

GeneDx
Classification: Benign. Last evaluated: 2018-10-05. Review status: criteria provided, single submitter. Criteria: GeneDx Variant Classification Process June 2021. Collection method: clinical testing. Allele origin: germline. Affected: yes.

PreventionGenetics, part of Exact Sciences
Classification: Likely benign for SCN10A-related condition. Last evaluated: 2019-03-14. Review status: no assertion criteria provided. Collection method: clinical testing. Allele origin: germline. Not counted in ClinVar's aggregate classification.
Comment: This variant is classified as likely benign based on ACMG/AMP sequence variant interpretation guidelines (Richards et al. 2015 PMID: 25741868, with internal and published modifications).

Clinical Genetics, Academic Medical Center
Classification: Benign. Review status: no assertion criteria provided. Collection method: clinical testing. Allele origin: germline. Affected: yes. Study: VKGL Data-share Consensus. Not counted in ClinVar's aggregate classification.

Joint Genome Diagnostic Labs from Nijmegen and Maastricht, Radboudumc and MUMC+
Classification: Likely benign. Review status: no assertion criteria provided. Collection method: clinical testing. Allele origin: germline. Affected: yes. Study: VKGL Data-share Consensus. Not counted in ClinVar's aggregate classification.